The following is an entry in ClinVar:

NM_005477.3(HCN4):c.1815G>A (p.Thr605=)

Gene: HCN4 (hyperpolarization activated cyclic nucleotide gated potassium channel 4; minus strand). Cytogenetic location: 15q24.1.
Variant type: single nucleotide variant.
Coding change: c.1815G>A on transcript NM_005477.3 (MANE Select); coding-DNA position 1815, G replaced by A.
Protein change: p.Thr605=; no amino-acid change (threonine 605 retained).
Molecular consequence: synonymous variant.
Genome position (GRCh38, 1-based): chr15:73,325,118, C>T on the plus strand (G>A on the coding strand, the complement: HCN4 is on the minus strand). VCF-style: chr15-73325118-C-T. GRCh37 (hg19) VCF-style: chr15-73617459-C-T.
Identifiers: ClinVar variation 283349 (VCV000283349.21), dbSNP rs367753936, ClinGen allele CA7649181.

ClinVar aggregate classification (germline): Conflicting classifications of pathogenicity. Review status: criteria provided, conflicting classifications (1 of 4 stars). 5 submissions from 5 submitters: Uncertain significance (1); Likely benign (4). Last evaluated 2026-03-27.

Conditions:
Cardiovascular phenotype. Identifiers: MedGen CN230736.
Brugada syndrome 8 (BRGDA8). Identifiers: Orphanet 130, MedGen C2751083, MONDO:0013148, OMIM 613123.

Allele frequency attached by ClinVar (database versions not stated): gnomAD exomes 0.00006 and 0.00005; TOPMed 0.00015; gnomAD 0.00009 and 0.00010; 1000 Genomes Project 30x 0.00078; ExAC 0.00010; ESP Exome Variant Server 0.00015; 1000 Genomes Project 0.00060.
gnomAD v4.1: 85 of 1,614,224 alleles (0.0053%); highest among the groups gnomAD compares: African/African-American, 0.029%; 1 homozygote.

Submissions (5):

Molecular Diagnostic Laboratory for Inherited Cardiovascular Disease, Montreal Heart Institute
Classification: Likely benign. Last evaluated: 2026-03-27. Review status: criteria provided, single submitter. Criteria: ACMG Guidelines, 2015. Collection method: clinical testing. Allele origin: germline. Affected: no.
Comment: BS1;BP7

Labcorp Genetics (formerly Invitae), Labcorp
Classification: Likely benign for Brugada syndrome 8. Last evaluated: 2025-11-11. Review status: criteria provided, single submitter. Criteria: Invitae Variant Classification Sherloc (09022015). Collection method: clinical testing. Allele origin: germline.

GeneDx
Classification: Likely benign. Last evaluated: 2021-06-03. Review status: criteria provided, single submitter. Criteria: GeneDx Variant Classification Process June 2021. Collection method: clinical testing. Allele origin: germline. Affected: yes.

Ambry Genetics
Classification: Likely benign for Cardiovascular phenotype. Last evaluated: 2019-12-19. Review status: criteria provided, single submitter. Criteria: Ambry Variant Classification Scheme 2023. Collection method: clinical testing. Allele origin: germline.

Eurofins Ntd Llc (ga)
Classification: Uncertain significance. Last evaluated: 2015-09-15. Review status: criteria provided, single submitter. Criteria: EGL Classification Definitions 2015. Collection method: clinical testing. Allele origin: germline. Observed: 1 variant allele, 1 heterozygote.